The following is an entry in ClinVar:

ClinVar aggregate classification (germline): Uncertain significance (1 of 4 stars; one submission).

Conditions:
Cardiovascular phenotype. Identifiers: MedGen CN230736.

Submission:

Ambry Genetics
Classification: Uncertain significance for Cardiovascular phenotype. Last evaluated: 2022-12-31. Review status: criteria provided, single submitter. Criteria: Ambry Variant Classification Scheme 2023. Collection method: clinical testing. Allele origin: germline.
Comment: The p.R43G variant (also known as c.127A>G), located in coding exon 2 of the CACNB2 gene, results from an A to G substitution at nucleotide position 127. The arginine at codon 43 is replaced by glycine, an amino acid with dissimilar properties. This amino acid position is conserved. In addition, this alteration is predicted to be deleterious by in silico analysis. Since supporting evidence is limited at this time, the clinical significance of this alteration remains unclear.

NM_201596.3(CACNB2):c.289A>G (p.Arg97Gly)

Gene: CACNB2 (calcium voltage-gated channel auxiliary subunit beta 2; plus strand). Cytogenetic location: 10p12.31.
Variant type: single nucleotide variant.
Coding change: c.289A>G on transcript NM_201596.3 (MANE Select); coding-DNA position 289, A replaced by G.
Protein change: p.Arg97Gly; replaces arginine 97 with glycine.
Molecular consequence: missense variant.
Genome position (GRCh38, 1-based): chr10:18,401,999, A>G. VCF-style: chr10-18401999-A-G. GRCh37 (hg19) VCF-style: chr10-18690928-A-G.
Other names: c.124A>G, p.Arg42Gly (NM_000724.4, NM_001330060.2); c.205A>G, p.Arg69Gly (NM_001167945.2, NM_201571.4, NM_201572.4); c.145A>G, p.Arg49Gly (NM_001410882.1, NM_201570.3); c.127A>G, p.Arg43Gly (NM_201590.3); c.289A>G, p.Arg97Gly (NM_201593.3, NM_201597.3); short protein forms R97G, R43G, R49G, R69G, R42G.
Identifiers: ClinVar variation 2447820 (VCV002447820.2), dbSNP rs1554810585, ClinGen allele CA376219560.